The following is an entry in ClinVar:

ClinVar aggregate classification (germline): Uncertain significance. Review status: criteria provided, multiple submitters, no conflicts (2 of 4 stars). 2 submissions from 2 submitters: Uncertain significance (2). Last evaluated 2025-08-15.

Conditions:
Inborn genetic diseases. Identifiers: MedGen C0950123, MeSH D030342.
Frontotemporal dementia (FTD1). Also called: Dementia, frontotemporal, with or without parkinsonism; FRONTOTEMPORAL LOBAR DEGENERATION WITH TAU INCLUSIONS; FTLD WITH TAU INCLUSIONS; Frontotemporal lobe dementia (FLDEM); FRONTOTEMPORAL DEMENTIA WITH PARKINSONISM; FRONTOTEMPORAL LOBE DEMENTIA. Identifiers: Orphanet 282, MedGen C0338451, MONDO:0017276, OMIM 600274, HP:0002145.

gnomAD v4.1: 7 of 1,613,960 alleles (0.00043%); highest among the groups gnomAD compares: Admixed American, 0.0083%; no homozygotes.

Submissions (2):

Labcorp Genetics (formerly Invitae), Labcorp
Classification: Uncertain significance for Frontotemporal dementia. Last evaluated: 2025-08-15. Review status: criteria provided, single submitter. Criteria: Invitae Variant Classification Sherloc (09022015). Collection method: clinical testing. Allele origin: germline.
Comment: This sequence change replaces aspartic acid, which is acidic and polar, with glycine, which is neutral and non-polar, at codon 139 of the MAPT protein (p.Asp139Gly). This variant is not present in population databases (gnomAD no frequency). This variant has not been reported in the literature in individuals affected with MAPT-related conditions. ClinVar contains an entry for this variant (Variation ID: 3543259). Invitae Evidence Modeling of protein sequence and biophysical properties (such as structural, functional, and spatial information, amino acid conservation, physicochemical variation, residue mobility, and thermodynamic stability) indicates that this missense variant is not expected to disrupt MAPT protein function with a negative predictive value of 80%. In summary, the available evidence is currently insufficient to determine the role of this variant in disease. Therefore, it has been classified as a Variant of Uncertain Significance.

Ambry Genetics
Classification: Uncertain significance for Inborn genetic diseases. Last evaluated: 2024-08-11. Review status: criteria provided, single submitter. Criteria: Ambry Variant Classification Scheme 2023. Collection method: clinical testing. Allele origin: germline.

NM_001377265.1(MAPT):c.1394A>G (p.Asp465Gly)

Gene: MAPT (microtubule associated protein tau). Cytogenetic location: 17q21.31.
Variant type: single nucleotide variant.
Coding change: c.1394A>G on transcript NM_001377265.1 (MANE Select); coding-DNA position 1394, A replaced by G.
Protein change: p.Asp465Gly; replaces aspartic acid 465 with glycine.
Molecular consequence: missense variant. On other transcripts: non-coding transcript variant (1).
Genome position (GRCh38, 1-based): chr17:45,987,082, A>G. VCF-style: chr17-45987082-A-G. GRCh37 (hg19) VCF-style: chr17-44064448-A-G.
Other names: c.1169A>G, p.Asp390Gly (NM_001123066.4, NM_016835.5); c.329A>G, p.Asp110Gly (NM_001123067.4, NM_001203251.2, NM_001377267.1); c.416A>G, p.Asp139Gly (NM_001203252.2, NM_005910.6); c.1394A>G, p.Asp465Gly (NM_001377266.1); c.242A>G, p.Asp81Gly (NM_001377268.1, NM_016834.5, NM_016841.5); short protein forms D139G, D390G, D465G, D81G, D110G.
Identifiers: ClinVar variation 3543259 (VCV003543259.2).